The following is an entry in ClinVar:

ClinVar aggregate classification (germline): Uncertain significance. Review status: criteria provided, multiple submitters, no conflicts (2 of 4 stars). 4 submissions from 4 submitters: Uncertain significance (3). 1 of the submissions does not count toward it. Last evaluated 2024-09-02.

Conditions:
Hereditary spastic paraplegia 49 (HSAN9). Also called: TECPR2-Related Hereditary Sensory and Autonomic Neuropathy with Intellectual Disability; NEUROPATHY, HEREDITARY SENSORY AND AUTONOMIC, TYPE IX, WITH DEVELOPMENTAL DELAY; Spastic paraplegia 49, autosomal recessive. Identifiers: Orphanet 320385, MedGen C5190860, MONDO:0014016, OMIM 615031.

Allele frequency attached by ClinVar (database versions not stated): gnomAD 0.00001; gnomAD exomes 0.00002; ExAC 0.00003; TOPMed 0.00005; ESP Exome Variant Server 0.00008.
gnomAD v4.1: 34 of 1,610,894 alleles (0.0021%); highest among the groups gnomAD compares: East Asian, 0.029%; no homozygotes.

Submissions (4):

Blueprint Genetics
Classification: Uncertain significance. Last evaluated: 2024-09-02. Review status: criteria provided, single submitter. Criteria: ACMG Guidelines, 2015. Collection method: clinical testing. Allele origin: germline.

GeneDx
Classification: Uncertain significance. Last evaluated: 2023-11-20. Review status: criteria provided, single submitter. Criteria: GeneDx Variant Classification Process June 2021. Collection method: clinical testing. Allele origin: germline. Affected: yes.
Comment: In silico analysis supports that this missense variant does not alter protein structure/function; Has not been previously published as pathogenic or benign to our knowledge

Labcorp Genetics (formerly Invitae), Labcorp
Classification: Uncertain significance for Hereditary spastic paraplegia 49. Last evaluated: 2022-03-18. Review status: criteria provided, single submitter. Criteria: Invitae Variant Classification Sherloc (09022015). Collection method: clinical testing. Allele origin: germline.
Comment: This sequence change replaces glutamic acid, which is acidic and polar, with lysine, which is basic and polar, at codon 405 of the TECPR2 protein (p.Glu405Lys). This variant is present in population databases (rs148556964, gnomAD 0.007%). This variant has not been reported in the literature in individuals affected with TECPR2-related conditions. ClinVar contains an entry for this variant (Variation ID: 582659). Algorithms developed to predict the effect of missense changes on protein structure and function (SIFT, PolyPhen-2, Align-GVGD) all suggest that this variant is likely to be tolerated. In summary, the available evidence is currently insufficient to determine the role of this variant in disease. Therefore, it has been classified as a Variant of Uncertain Significance.

Natera, Inc.
Classification: Uncertain significance for Autosomal recessive spastic paraplegia type 49. Last evaluated: 2019-11-11. Review status: no assertion criteria provided. Collection method: clinical testing. Allele origin: germline. Not counted in ClinVar's aggregate classification.

NM_014844.5(TECPR2):c.1213G>A (p.Glu405Lys)

Gene: TECPR2 (tectonin beta-propeller repeat containing 2; plus strand). Cytogenetic location: 14q32.31.
Variant type: single nucleotide variant.
Coding change: c.1213G>A on transcript NM_014844.5 (MANE Select); coding-DNA position 1213, G replaced by A.
Protein change: p.Glu405Lys; replaces glutamic acid 405 with lysine.
Molecular consequence: missense variant.
Genome position (GRCh38, 1-based): chr14:102,431,924, G>A. VCF-style: chr14-102431924-G-A. GRCh37 (hg19) VCF-style: chr14-102898261-G-A.
Other names: c.1213G>A, p.Glu405Lys (NM_001172631.3); short protein forms E405K.
Identifiers: ClinVar variation 582659 (VCV000582659.8), dbSNP rs148556964, ClinGen allele CA7357670.